The following is an entry in ClinVar:

NM_001395656.1(ROBO2):c.3485G>C (p.Arg1162Pro)

Gene: ROBO2 (roundabout guidance receptor 2; plus strand). Cytogenetic location: 3p12.3.
Variant type: single nucleotide variant.
Coding change: c.3485G>C on transcript NM_001395656.1 (MANE Select); coding-DNA position 3485, G replaced by C.
Protein change: p.Arg1162Pro; replaces arginine 1162 with proline.
Molecular consequence: missense variant.
Genome position (GRCh38, 1-based): chr3:77,617,692, G>C. VCF-style: chr3-77617692-G-C. GRCh37 (hg19) VCF-style: chr3-77666843-G-C.
Other names: c.3521G>C, p.Arg1174Pro (NM_001128929.3); c.3485G>C, p.Arg1162Pro (NM_001290039.2, NM_001290040.2); c.1694G>C, p.Arg565Pro (NM_001290065.2); c.3533G>C, p.Arg1178Pro (NM_001378190.1, NM_001378200.1, NM_001378201.1 and 1 more transcripts); c.3659G>C, p.Arg1220Pro (NM_001378191.1, NM_001378195.1, NM_001378196.1); c.3554G>C, p.Arg1185Pro (NM_001378192.1, NM_001378198.1, NM_001378199.1); c.3473G>C, p.Arg1158Pro (NM_001378193.1, NM_002942.5); c.3671G>C, p.Arg1224Pro (NM_001378194.1); and 5 more; short protein forms R1159P, R1178P, R1185P, R1227P, R565P, R1181P, R1158P, R1200P.
Identifiers: ClinVar variation 3589609 (VCV003589609.2).

ClinVar aggregate classification (germline): Uncertain significance. Review status: criteria provided, multiple submitters, no conflicts (2 of 4 stars). 2 submissions from 2 submitters: Uncertain significance (2). Last evaluated 2025-05-14.

Conditions:
Vesicoureteral reflux 2 (VUR2). Identifiers: Orphanet 289365, MedGen C1970483, MONDO:0012573, OMIM 610878.

gnomAD v4.1: 76 of 1,613,890 alleles (0.0047%); highest among the groups gnomAD compares: Non-Finnish European, 0.0059%; no homozygotes.

Submissions (2):

Labcorp Genetics (formerly Invitae), Labcorp
Classification: Uncertain significance. Last evaluated: 2025-05-14. Review status: criteria provided, single submitter. Criteria: Invitae Variant Classification Sherloc (09022015). Collection method: clinical testing. Allele origin: germline.
Comment: This sequence change replaces arginine, which is basic and polar, with proline, which is neutral and non-polar, at codon 1158 of the ROBO2 protein (p.Arg1158Pro). This variant is present in population databases (rs774423792, gnomAD 0.006%). This variant has not been reported in the literature in individuals affected with ROBO2-related conditions. ClinVar contains an entry for this variant (Variation ID: 3589609). Invitae Evidence Modeling of protein sequence and biophysical properties (such as structural, functional, and spatial information, amino acid conservation, physicochemical variation, residue mobility, and thermodynamic stability) indicates that this missense variant is not expected to disrupt ROBO2 protein function with a negative predictive value of 95%. In summary, the available evidence is currently insufficient to determine the role of this variant in disease. Therefore, it has been classified as a Variant of Uncertain Significance.

Fulgent Genetics
Classification: Uncertain significance for Vesicoureteral reflux 2. Last evaluated: 2024-01-15. Review status: criteria provided, single submitter. Criteria: ACMG Guidelines, 2015. Collection method: clinical testing. Allele origin: germline.